The following is an entry in ClinVar:

ClinVar aggregate classification (germline): Uncertain significance. Review status: criteria provided, multiple submitters, no conflicts (2 of 4 stars). 2 submissions from 2 submitters: Uncertain significance (2). Last evaluated 2025-02-13.

Conditions:
Inborn genetic diseases. Identifiers: MedGen C0950123, MeSH D030342.

Allele frequency attached by ClinVar (database versions not stated): TOPMed 0.00010; ESP Exome Variant Server 0.00016.
gnomAD v4.1: 145 of 1,613,958 alleles (0.009%); highest among the groups gnomAD compares: Middle Eastern, 0.016%; no homozygotes.

Submissions (2):

Ambry Genetics
Classification: Uncertain significance for Inborn genetic diseases. Last evaluated: 2025-02-13. Review status: criteria provided, single submitter. Criteria: Ambry Variant Classification Scheme 2023. Collection method: clinical testing. Allele origin: germline.

Labcorp Genetics (formerly Invitae), Labcorp
Classification: Uncertain significance. Last evaluated: 2022-07-12. Review status: criteria provided, single submitter. Criteria: Invitae Variant Classification Sherloc (09022015). Collection method: clinical testing. Allele origin: germline.
Comment: This sequence change replaces serine, which is neutral and polar, with glycine, which is neutral and non-polar, at codon 475 of the RTTN protein (p.Ser475Gly). This variant is present in population databases (rs368044623, gnomAD 0.01%). This variant has not been reported in the literature in individuals affected with RTTN-related conditions. ClinVar contains an entry for this variant (Variation ID: 1514835). Algorithms developed to predict the effect of missense changes on protein structure and function output the following: SIFT: "Deleterious"; PolyPhen-2: "Benign"; Align-GVGD: "Class C0". The glycine amino acid residue is found in multiple mammalian species, which suggests that this missense change does not adversely affect protein function. In summary, the available evidence is currently insufficient to determine the role of this variant in disease. Therefore, it has been classified as a Variant of Uncertain Significance.

NM_173630.4(RTTN):c.1423A>G (p.Ser475Gly)

Gene: RTTN (rotatin; minus strand). Cytogenetic location: 18q22.2.
Variant type: single nucleotide variant.
Coding change: c.1423A>G on transcript NM_173630.4 (MANE Select); coding-DNA position 1423, A replaced by G.
Protein change: p.Ser475Gly; replaces serine 475 with glycine.
Molecular consequence: missense variant. On other transcripts: 5 prime UTR variant (1).
Genome position (GRCh38, 1-based): chr18:70,176,728, T>C on the plus strand (A>G on the coding strand, the complement: RTTN is on the minus strand). VCF-style: chr18-70176728-T-C. GRCh37 (hg19) VCF-style: chr18-67843964-T-C.
Other names: c.-1131A>G (NM_001318520.2); c.1423A>G (NM_173630.3); short protein forms S475G.
Identifiers: ClinVar variation 1514835 (VCV001514835.4), dbSNP rs368044623, ClinGen allele CA8996180.
Genomic context (GRCh38, chr18:70,176,728, plus strand): 5'-GCCTTACCTTTTCAACAGGGAGAAGCGTTTGTAGCAGTCGAACTGCAAACAGGGAAATGC[T>C]GATAAAGGCCATTCTGTGGTGCACAAGCATCACCTCTGGCTGCTCCAAACTGATACTACT-3'
Protein context (NP_775901.3, residues 465-485): MLVHHRMAFI[Ser475Gly]ISLFAVRLLQ